The following is an entry in ClinVar:

ClinVar aggregate classification (germline): Uncertain significance (1 of 4 stars; one submission).

Submission:

GeneDx
Classification: Uncertain significance. Last evaluated: 2024-02-02. Review status: criteria provided, single submitter. Criteria: GeneDx Variant Classification Process June 2021. Collection method: clinical testing. Allele origin: germline. Affected: yes.
Comment: Not observed at significant frequency in large population cohorts (gnomAD); In silico analysis supports that this missense variant has a deleterious effect on protein structure/function; Has not been previously published as pathogenic or benign to our knowledge

NM_001378452.1(ITPR1):c.3473G>T (p.Gly1158Val)

Gene: ITPR1 (inositol 1,4,5-trisphosphate receptor type 1; plus strand). Cytogenetic location: 3p26.1.
Variant type: single nucleotide variant.
Coding change: c.3473G>T on transcript NM_001378452.1 (MANE Select); coding-DNA position 3473, G replaced by T.
Protein change: p.Gly1158Val; replaces glycine 1158 with valine.
Molecular consequence: missense variant.
Genome position (GRCh38, 1-based): chr3:4,683,773, G>T. VCF-style: chr3-4683773-G-T. GRCh37 (hg19) VCF-style: chr3-4725457-G-T.
Other names: c.3446G>T, p.Gly1149Val (NM_001099952.4); c.3428G>T, p.Gly1143Val (NM_001168272.2); c.3401G>T, p.Gly1134Val (NM_002222.7); short protein forms G1134V, G1143V, G1149V, G1158V.
Identifiers: ClinVar variation 3367823 (VCV003367823.1).